The following is an entry in ClinVar:

ClinVar aggregate classification (germline): Likely benign. Review status: criteria provided, multiple submitters, no conflicts (2 of 4 stars). 3 submissions from 3 submitters: Likely benign (2). 1 of the submissions does not count toward it. Last evaluated 2026-07-01.

Conditions:
TARS1-related disorder. Also called: TARS1-related condition.

Allele frequency attached by ClinVar (database versions not stated): 1000 Genomes Project 0.00180; 1000 Genomes Project 30x 0.00187; ESP Exome Variant Server 0.00208.
gnomAD v4.1: 774 of 1,614,132 alleles (0.048%); highest among the groups gnomAD compares: African/African-American, 0.86%; 2 homozygotes.

Submissions (3):

CeGaT Center for Human Genetics Tuebingen
Classification: Likely benign. Last evaluated: 2026-07-01. Review status: criteria provided, single submitter. Criteria: CeGaT Center For Human Genetics Tuebingen Variant Classification Criteria Version 2. Collection method: clinical testing. Allele origin: germline. Affected: yes. Observed: 2 variant alleles.
Comment: TARS1: BP4, BP7

Blueprint Genetics
Classification: Likely benign. Last evaluated: 2024-10-14. Review status: criteria provided, single submitter. Criteria: ACMG Guidelines, 2015. Collection method: clinical testing. Allele origin: germline.

PreventionGenetics, part of Exact Sciences
Classification: Benign for TARS1-related condition. Last evaluated: 2020-01-02. Review status: no assertion criteria provided. Collection method: clinical testing. Allele origin: germline. Not counted in ClinVar's aggregate classification.
Comment: This variant is classified as benign based on ACMG/AMP sequence variant interpretation guidelines (Richards et al. 2015 PMID: 25741868, with internal and published modifications).

NM_152295.5(TARS1):c.1155C>A (p.Thr385=)

Gene: TARS1 (threonyl-tRNA synthetase 1; plus strand). Cytogenetic location: 5p13.3.
Variant type: single nucleotide variant.
Coding change: c.1155C>A on transcript NM_152295.5 (MANE Select); coding-DNA position 1155, C replaced by A.
Protein change: p.Thr385=; no amino-acid change (threonine 385 retained).
Molecular consequence: synonymous variant. On other transcripts: non-coding transcript variant (3).
Genome position (GRCh38, 1-based): chr5:33,459,766, C>A. VCF-style: chr5-33459766-C-A. GRCh37 (hg19) VCF-style: chr5-33459871-C-A.
Other names: c.1155C>A, p.Thr385= (NM_001258437.1); c.1254C>A, p.Thr418= (NM_001258438.2); c.1119C>A, p.Thr373= (NM_003191.1).
Identifiers: ClinVar variation 3040429 (VCV003040429.11), dbSNP rs111861274, ClinGen allele CA3223284.